The following is an entry in ClinVar:

ClinVar aggregate classification (germline): Likely benign. Review status: criteria provided, multiple submitters, no conflicts (2 of 4 stars). 3 submissions from 3 submitters: Likely benign (2). 1 of the submissions does not count toward it. Last evaluated 2024-09-05.

Conditions:
ADAMTS18-related disorder. Also called: ADAMTS18-related condition.

Allele frequency attached by ClinVar (database versions not stated): gnomAD 0.00001; gnomAD exomes 0.00002 and 0.00007; TOPMed 0.00002; ExAC 0.00004.
gnomAD v4.1: 37 of 1,613,872 alleles (0.0023%); highest among the groups gnomAD compares: South Asian, 0.03%; 1 homozygote.

Submissions (3):

Blueprint Genetics
Classification: Likely benign. Last evaluated: 2024-09-05. Review status: criteria provided, single submitter. Criteria: ACMG Guidelines, 2015. Collection method: clinical testing. Allele origin: germline.

Labcorp Genetics (formerly Invitae), Labcorp
Classification: Likely benign. Last evaluated: 2023-11-24. Review status: criteria provided, single submitter. Criteria: Invitae Variant Classification Sherloc (09022015). Collection method: clinical testing. Allele origin: germline.

PreventionGenetics, part of Exact Sciences
Classification: Likely benign for ADAMTS18-related condition. Last evaluated: 2019-10-25. Review status: no assertion criteria provided. Collection method: clinical testing. Allele origin: germline. Not counted in ClinVar's aggregate classification.
Comment: This variant is classified as likely benign based on ACMG/AMP sequence variant interpretation guidelines (Richards et al. 2015 PMID: 25741868, with internal and published modifications).

NM_199355.4(ADAMTS18):c.894C>T (p.Leu298=)

Gene: ADAMTS18 (ADAM metallopeptidase with thrombospondin type 1 motif 18; minus strand). Cytogenetic location: 16q23.1.
Variant type: single nucleotide variant.
Coding change: c.894C>T on transcript NM_199355.4 (MANE Select); coding-DNA position 894, C replaced by T.
Protein change: p.Leu298=; no amino-acid change (leucine 298 retained).
Molecular consequence: synonymous variant.
Genome position (GRCh38, 1-based): chr16:77,364,266, G>A on the plus strand (C>T on the coding strand, the complement: ADAMTS18 is on the minus strand). VCF-style: chr16-77364266-G-A. GRCh37 (hg19) VCF-style: chr16-77398163-G-A.
Other names: c.894C>T (NM_199355.3); c.378C>T, p.Leu126= (NM_001326358.2).
Identifiers: ClinVar variation 1077786 (VCV001077786.13), dbSNP rs748153604, ClinGen allele CA8181515.